The following is an entry in ClinVar:

NM_001385.3(DPYS):c.1478A>C (p.Tyr493Ser)

Gene: DPYS (dihydropyrimidinase; minus strand). Cytogenetic location: 8q22.3.
Variant type: single nucleotide variant.
Coding change: c.1478A>C on transcript NM_001385.3 (MANE Select); coding-DNA position 1478, A replaced by C.
Protein change: p.Tyr493Ser; replaces tyrosine 493 with serine.
Molecular consequence: missense variant.
Genome position (GRCh38, 1-based): chr8:104,381,280, T>G on the plus strand (A>C on the coding strand, the complement: DPYS is on the minus strand). VCF-style: chr8-104381280-T-G. GRCh37 (hg19) VCF-style: chr8-105393508-T-G.
Other names: c.1478A>C (NM_001385.2); short protein forms Y493S.
Identifiers: ClinVar variation 1356436 (VCV001356436.11), dbSNP rs1811025742, ClinGen allele CA371937164.

ClinVar aggregate classification (germline): Uncertain significance. Review status: criteria provided, multiple submitters, no conflicts (2 of 4 stars). 3 submissions from 3 submitters: Uncertain significance (3). Last evaluated 2024-09-05.

Conditions:
Inborn genetic diseases. Identifiers: MedGen C0950123, MeSH D030342.

Allele frequency attached by ClinVar (database versions not stated): TOPMed 0.00002.
gnomAD v4.1: 1 of 1,614,206 alleles (0.000062%); no homozygotes.

Submissions (3):

Ambry Genetics
Classification: Uncertain significance for Inborn genetic diseases. Last evaluated: 2024-09-05. Review status: criteria provided, single submitter. Criteria: Ambry Variant Classification Scheme 2023. Collection method: clinical testing. Allele origin: germline.

GeneDx
Classification: Uncertain significance. Last evaluated: 2023-12-26. Review status: criteria provided, single submitter. Criteria: GeneDx Variant Classification Process June 2021. Collection method: clinical testing. Allele origin: germline. Affected: yes.
Comment: Not observed at significant frequency in large population cohorts (gnomAD); In silico analysis supports that this missense variant has a deleterious effect on protein structure/function; Has not been previously published as pathogenic or benign to our knowledge

Labcorp Genetics (formerly Invitae), Labcorp
Classification: Uncertain significance. Last evaluated: 2021-08-03. Review status: criteria provided, single submitter. Criteria: Invitae Variant Classification Sherloc (09022015). Collection method: clinical testing. Allele origin: germline.
Comment: In summary, the available evidence is currently insufficient to determine the role of this variant in disease. Therefore, it has been classified as a Variant of Uncertain Significance. Algorithms developed to predict the effect of missense changes on protein structure and function are either unavailable or do not agree on the potential impact of this missense change (SIFT: "Tolerated"; PolyPhen-2: "Probably Damaging"; Align-GVGD: "Class C0"). This sequence change replaces tyrosine with serine at codon 493 of the DPYS protein (p.Tyr493Ser). The tyrosine residue is highly conserved and there is a large physicochemical difference between tyrosine and serine. This variant is not present in population databases (ExAC no frequency). This variant has not been reported in the literature in individuals affected with DPYS-related conditions.